The following is an entry in ClinVar:

NM_020812.4(DOCK6):c.2252G>A (p.Gly751Asp)

Gene: DOCK6 (dedicator of cytokinesis 6; minus strand). Cytogenetic location: 19p13.2.
Variant type: single nucleotide variant.
Coding change: c.2252G>A on transcript NM_020812.4 (MANE Select); coding-DNA position 2252, G replaced by A.
Protein change: p.Gly751Asp; replaces glycine 751 with aspartic acid.
Molecular consequence: missense variant.
Genome position (GRCh38, 1-based): chr19:11,236,486, C>T on the plus strand (G>A on the coding strand, the complement: DOCK6 is on the minus strand). VCF-style: chr19-11236486-C-T. GRCh37 (hg19) VCF-style: chr19-11347162-C-T.
Other names: c.2252G>A, p.Gly751Asp (NM_001367830.1); short protein forms G751D.
Identifiers: ClinVar variation 1953587 (VCV001953587.5), dbSNP rs2513115375, ClinGen allele CA404097744.

ClinVar aggregate classification (germline): Uncertain significance (1 of 4 stars; one submission).

Allele frequency attached by ClinVar (database versions not stated): gnomAD exomes below 0.00001.
gnomAD v4.1: 2 of 1,600,792 alleles (0.00012%); highest among the groups gnomAD compares: Non-Finnish European, 0.00017%; no homozygotes.

Submission:

Labcorp Genetics (formerly Invitae), Labcorp
Classification: Uncertain significance. Last evaluated: 2024-01-08. Review status: criteria provided, single submitter. Criteria: Invitae Variant Classification Sherloc (09022015). Collection method: clinical testing. Allele origin: germline.
Comment: This sequence change replaces glycine, which is neutral and non-polar, with aspartic acid, which is acidic and polar, at codon 751 of the DOCK6 protein (p.Gly751Asp). This variant is not present in population databases (gnomAD no frequency). This variant has not been reported in the literature in individuals affected with DOCK6-related conditions. ClinVar contains an entry for this variant (Variation ID: 1953587). Advanced modeling of protein sequence and biophysical properties (such as structural, functional, and spatial information, amino acid conservation, physicochemical variation, residue mobility, and thermodynamic stability) performed at Invitae indicates that this missense variant is not expected to disrupt DOCK6 protein function with a negative predictive value of 80%. In summary, the available evidence is currently insufficient to determine the role of this variant in disease. Therefore, it has been classified as a Variant of Uncertain Significance.